The following is an entry in ClinVar:

ClinVar aggregate classification (germline): Benign. Review status: criteria provided, multiple submitters, no conflicts (2 of 4 stars). 3 submissions from 3 submitters: Benign (2). 1 of the submissions does not count toward it. Last evaluated 2018-06-13.

Conditions:
FDFT1-related disorder. Also called: FDFT1-related condition.

Allele frequency attached by ClinVar (database versions not stated): gnomAD exomes 0.00155; ExAC 0.00191; ESP Exome Variant Server 0.00577; gnomAD 0.00626 and 0.00633; TOPMed 0.00692; 1000 Genomes Project 30x 0.01046; 1000 Genomes Project 0.01118.
gnomAD v4.1: 1,909 of 1,613,410 alleles (0.12%); highest among the groups gnomAD compares: African/African-American, 2.2%; 21 homozygotes.

Submissions (3):

Labcorp Genetics (formerly Invitae), Labcorp
Classification: Benign. Last evaluated: 2018-06-13. Review status: criteria provided, single submitter. Criteria: Invitae Variant Classification Sherloc (09022015). Collection method: clinical testing. Allele origin: germline.

Breakthrough Genomics
Classification: Benign. Review status: criteria provided, single submitter. Criteria: ACMG Guidelines, 2015. Collection method: not provided. Allele origin: germline. Inheritance: Autosomal recessive inheritance. Affected: yes.

PreventionGenetics, part of Exact Sciences
Classification: Benign for FDFT1-related condition. Last evaluated: 2019-06-25. Review status: no assertion criteria provided. Collection method: clinical testing. Allele origin: germline. Not counted in ClinVar's aggregate classification.
Comment: This variant is classified as benign based on ACMG/AMP sequence variant interpretation guidelines (Richards et al. 2015 PMID: 25741868, with internal and published modifications).

NM_004462.5(FDFT1):c.1197G>A (p.Gln399=)

Gene: FDFT1 (farnesyl-diphosphate farnesyltransferase 1). Cytogenetic location: 8p23.1.
Variant type: single nucleotide variant.
Coding change: c.1197G>A on transcript NM_004462.5 (MANE Select); coding-DNA position 1197, G replaced by A.
Protein change: p.Gln399=; no amino-acid change (glutamine 399 retained).
Molecular consequence: synonymous variant.
Genome position (GRCh38, 1-based): chr8:11,838,552, G>A. VCF-style: chr8-11838552-G-A. GRCh37 (hg19) VCF-style: chr8-11696061-G-A.
Other names: c.1197G>A, p.Gln399= (NM_001287742.2, NM_001287743.2); c.1005G>A, p.Gln335= (NM_001287744.2, NM_001287745.2, NM_001287747.2 and 2 more transcripts); c.1374G>A, p.Gln458= (NM_001287750.2); c.942G>A, p.Gln314= (NM_001287751.2); c.696G>A, p.Gln232= (NM_001287756.2); c.1374G>A (NM_001287750.1).
Identifiers: ClinVar variation 778374 (VCV000778374.6), dbSNP rs10089896, ClinGen allele CA4632241.